The following is an entry in ClinVar:

NM_003011.4(SET):c.492+4T>C

Gene: SET (SET nuclear proto-oncogene; plus strand). Cytogenetic location: 9q34.11.
Variant type: single nucleotide variant.
Coding change: c.492+4T>C on transcript NM_003011.4 (MANE Select); 4 bases into the intron after coding-DNA position 492, T replaced by C.
Molecular consequence: intron variant.
Genome position (GRCh38, 1-based): chr9:128,692,985, T>C. VCF-style: chr9-128692985-T-C. GRCh37 (hg19) VCF-style: chr9-131455264-T-C.
Other names: c.531+4T>C (NM_001374326.1, NM_001122821.2); c.465+4T>C (NM_001248000.2); c.459+4T>C (NM_001248001.2).
Identifiers: ClinVar variation 2313066 (VCV002313066.2), dbSNP rs957409538, ClinGen allele CA200409117.

ClinVar aggregate classification (germline): Uncertain significance (1 of 4 stars; one submission).

Conditions:
Inborn genetic diseases. Identifiers: MedGen C0950123, MeSH D030342.

Allele frequency attached by ClinVar (database versions not stated): gnomAD exomes 0.00001; TOPMed 0.00003; gnomAD 0.00004.
gnomAD v4.1: 17 of 1,549,456 alleles (0.0011%); highest among the groups gnomAD compares: African/African-American, 0.022%; no homozygotes.

Submission:

Ambry Genetics
Classification: Uncertain significance for Inborn genetic diseases. Last evaluated: 2022-11-15. Review status: criteria provided, single submitter. Criteria: Ambry Variant Classification Scheme 2023. Collection method: clinical testing. Allele origin: germline.
Comment: The c.531+4T>C intronic alteration consists of a T to C substitution nucleotides after coding exon 5 in the SET gene. Based on insufficient or conflicting evidence, the clinical significance of this alteration remains unclear.